The following is an entry in ClinVar:

NM_000440.3(PDE6A):c.197G>A (p.Arg66Gln)

Gene: PDE6A (phosphodiesterase 6A; minus strand). Cytogenetic location: 5q32.
Variant type: single nucleotide variant.
Coding change: c.197G>A on transcript NM_000440.3 (MANE Select); coding-DNA position 197, G replaced by A.
Protein change: p.Arg66Gln; replaces arginine 66 with glutamine.
Molecular consequence: missense variant.
Genome position (GRCh38, 1-based): chr5:149,944,477, C>T on the plus strand (G>A on the coding strand, the complement: PDE6A is on the minus strand). VCF-style: chr5-149944477-C-T. GRCh37 (hg19) VCF-style: chr5-149324040-C-T.
Other names: short protein forms R66Q.
Identifiers: ClinVar variation 1391650 (VCV001391650.9), dbSNP rs753177050, ClinGen allele CA3505115.

ClinVar aggregate classification (germline): Uncertain significance. Review status: criteria provided, multiple submitters, no conflicts (2 of 4 stars). 3 submissions from 3 submitters: Uncertain significance (2). 1 of the submissions does not count toward it. Last evaluated 2026-01-15.

Conditions:
Retinal dystrophy. Also called: Inherited retinal dystrophy. Identifiers: Orphanet 71862, MedGen C0854723, MeSH D058499, MONDO:0019118, HP:0000556.

Allele frequency attached by ClinVar (database versions not stated): gnomAD 0.00001; gnomAD exomes 0.00001 and 0.00002; TOPMed 0.00002; ExAC 0.00004.
gnomAD v4.1: 21 of 1,613,932 alleles (0.0013%); highest among the groups gnomAD compares: Middle Eastern, 0.016%; no homozygotes.

Submissions (3):

Labcorp Genetics (formerly Invitae), Labcorp
Classification: Uncertain significance. Last evaluated: 2026-01-15. Review status: criteria provided, single submitter. Criteria: Invitae Variant Classification Sherloc (09022015). Collection method: clinical testing. Allele origin: germline.
Comment: This sequence change replaces arginine, which is basic and polar, with glutamine, which is neutral and polar, at codon 66 of the PDE6A protein (p.Arg66Gln). This variant is present in population databases (rs753177050, gnomAD 0.004%). This variant has not been reported in the literature in individuals affected with PDE6A-related conditions. ClinVar contains an entry for this variant (Variation ID: 1391650). Invitae Evidence Modeling of protein sequence and biophysical properties (such as structural, functional, and spatial information, amino acid conservation, physicochemical variation, residue mobility, and thermodynamic stability) indicates that this missense variant is not expected to disrupt PDE6A protein function with a negative predictive value of 95%. In summary, the available evidence is currently insufficient to determine the role of this variant in disease. Therefore, it has been classified as a Variant of Uncertain Significance.

Blueprint Genetics
Classification: Uncertain significance. Last evaluated: 2024-11-06. Review status: criteria provided, single submitter. Criteria: ACMG Guidelines, 2015. Collection method: clinical testing. Allele origin: germline.

Institute of Human Genetics, Univ. Regensburg, Univ. Regensburg
Classification: Uncertain significance for Retinal dystrophy. Last evaluated: 2019-01-01. Review status: no assertion criteria provided. Criteria: ACMG Guidelines, 2015. Collection method: clinical testing. Allele origin: germline. Affected: yes. Not counted in ClinVar's aggregate classification.